The following is an entry in ClinVar:

NM_020921.4(NIN):c.5692A>G (p.Met1898Val)

Gene: NIN (ninein; minus strand). Cytogenetic location: 14q22.1.
Variant type: single nucleotide variant.
Coding change: c.5692A>G on transcript NM_020921.4 (MANE Select); coding-DNA position 5692, A replaced by G.
Protein change: p.Met1898Val; replaces methionine 1898 with valine.
Molecular consequence: missense variant.
Genome position (GRCh38, 1-based): chr14:50,738,223, T>C on the plus strand (A>G on the coding strand, the complement: NIN is on the minus strand). VCF-style: chr14-50738223-T-C. GRCh37 (hg19) VCF-style: chr14-51204941-T-C.
Other names: c.5692A>G, p.Met1898Val (NM_182944.3, NM_182946.2); c.3553A>G, p.Met1185Val (NM_016350.5); short protein forms M1898V, M1185V.
Identifiers: ClinVar variation 2533475 (VCV002533475.4), dbSNP rs781399662, ClinGen allele CA7181183.
Genomic context (GRCh38, chr14:50,738,223, plus strand): 5'-CTTTCTGAAACTGATCACACTCTCTCTTTAAGCTCAATTTTTCTTGCTCTGTGGGATTCA[T>C]GGTACCTGATGGGTTTAGATGTTTTTGGTGCTTGGGAAGAAGATTGGATTCCAACTGACG-3'
Protein context (NP_065972.4, residues 1888-1908): HQKHLNPSGT[Met1898Val]NPTEQEKLSL

ClinVar aggregate classification (germline): Conflicting classifications of pathogenicity. Review status: criteria provided, conflicting classifications (1 of 4 stars). 2 submissions from 2 submitters: Uncertain significance (1); Likely benign (1). Last evaluated 2024-12-03.

Allele frequency attached by ClinVar (database versions not stated): ExAC 0.00001; gnomAD 0.00001; gnomAD exomes 0.00001; TOPMed 0.00001.

Submissions (2):

Labcorp Genetics (formerly Invitae), Labcorp
Classification: Uncertain significance. Last evaluated: 2024-12-03. Review status: criteria provided, single submitter. Criteria: Invitae Variant Classification Sherloc (09022015). Collection method: clinical testing. Allele origin: germline.
Comment: This sequence change replaces methionine, which is neutral and non-polar, with valine, which is neutral and non-polar, at codon 1898 of the NIN protein (p.Met1898Val). This variant is present in population databases (rs781399662, gnomAD 0.02%). This variant has not been reported in the literature in individuals affected with NIN-related conditions. ClinVar contains an entry for this variant (Variation ID: 2533475). An algorithm developed to predict the effect of missense changes on protein structure and function outputs the following: PolyPhen-2: "Benign". The valine amino acid residue is found in multiple mammalian species, which suggests that this missense change does not adversely affect protein function. In summary, the available evidence is currently insufficient to determine the role of this variant in disease. Therefore, it has been classified as a Variant of Uncertain Significance.

Ambry Genetics
Classification: Likely benign. Last evaluated: 2023-04-05. Review status: criteria provided, single submitter. Criteria: Ambry Variant Classification Scheme 2023. Collection method: clinical testing. Allele origin: germline.